The following is an entry in ClinVar:

NM_016239.4(MYO15A):c.4372C>T (p.Leu1458Phe)

Gene: MYO15A (myosin XVA; plus strand). Cytogenetic location: 17p11.2.
Variant type: single nucleotide variant.
Coding change: c.4372C>T on transcript NM_016239.4 (MANE Select); coding-DNA position 4372, C replaced by T.
Protein change: p.Leu1458Phe; replaces leucine 1458 with phenylalanine.
Molecular consequence: missense variant.
Genome position (GRCh38, 1-based): chr17:18,133,276, C>T. VCF-style: chr17-18133276-C-T. GRCh37 (hg19) VCF-style: chr17-18036590-C-T.
Other names: short protein forms L1458F.
Identifiers: ClinVar variation 3364048 (VCV003364048.3).

ClinVar aggregate classification (germline): Uncertain significance. Review status: criteria provided, multiple submitters, no conflicts (2 of 4 stars). 2 submissions from 2 submitters: Uncertain significance (2). Last evaluated 2024-12-10.

Conditions:
Inborn genetic diseases. Identifiers: MedGen C0950123, MeSH D030342.

gnomAD v4.1: 3 of 1,614,060 alleles (0.00019%); highest among the groups gnomAD compares: Non-Finnish European, 0.00025%; no homozygotes.

Submissions (2):

GeneDx
Classification: Uncertain significance. Last evaluated: 2024-12-10. Review status: criteria provided, single submitter. Criteria: GeneDx Variant Classification Process June 2021. Collection method: clinical testing. Allele origin: germline.
Comment: Not observed at significant frequency in large population cohorts (gnomAD); In silico analysis supports that this missense variant has a deleterious effect on protein structure/function; Has not been previously published as pathogenic or benign to our knowledge

Ambry Genetics
Classification: Uncertain significance for Inborn genetic diseases. Last evaluated: 2024-10-07. Review status: criteria provided, single submitter. Criteria: Ambry Variant Classification Scheme 2023. Collection method: clinical testing. Allele origin: germline.